The following is an entry in ClinVar:

ClinVar aggregate classification (germline): Pathogenic (1 of 4 stars; one submission).

Conditions:
Myoclonic dystonia 11 (DYT11). Also called: Myoclonic dystonia; Dystonia 11; Dystonia, alcohol responsive; Hereditary essential myoclonus; SGCE Myoclonus-Dystonia; Myoclonus-Dystonia. Identifiers: Orphanet 36899, MedGen C1834570, MONDO:0008044, OMIM 159900.

Submission:

Labcorp Genetics (formerly Invitae), Labcorp
Classification: Pathogenic for Myoclonic dystonia 11. Last evaluated: 2021-04-18. Review status: criteria provided, single submitter. Criteria: Invitae Variant Classification Sherloc (09022015). Collection method: clinical testing. Allele origin: germline.
Comment: For these reasons, this variant has been classified as Pathogenic. This variant has not been reported in the literature in individuals with SGCE-related conditions. This variant is not present in population databases (ExAC no frequency). This sequence change creates a premature translational stop signal (p.Tyr66*) in the SGCE gene. It is expected to result in an absent or disrupted protein product. Loss-of-function variants in SGCE are known to be pathogenic (PMID: 12821748, 15389977, 17853490, 24297365).

Literature cited by the submitters: PubMed 12821748; PubMed 15389977; PubMed 17853490; PubMed 24297365.

NM_003919.3(SGCE):c.191_197dup (p.Tyr66Ter)

Genes: CASD1 (CAS1 domain sialic acid O acetyltransferase 1; plus strand), SGCE (sarcoglycan epsilon; minus strand). Cytogenetic location: 7q21.3.
Variant type: Duplication.
Coding change: c.191_197dup on transcript NM_003919.3 (MANE Select); coding-DNA positions 191 to 197, 7 bases duplicated (GAGAATA; older notation c.191_197dupGAGAATA).
Protein change: p.Tyr66Ter; replaces tyrosine 66 with a stop codon.
Molecular consequence: nonsense. On other transcripts: 5 prime UTR variant (2), intron variant (2).
Genome position (GRCh38, 1-based): chr7:94,629,754-94,629,760, TATTCTC duplicated on the plus strand (GAGAATA on the coding strand, the reverse complement: SGCE is on the minus strand); duplicating any 7 consecutive bases within chr7:94,629,754-94,629,761 gives the same sequence; the c. name uses the placement nearest the transcript's 3' end. VCF-style (leftmost placement, unchanged base first): chr7-94629753-A-ATATTCTC. GRCh37 (hg19) VCF-style: chr7-94259065-A-ATATTCTC.
Other names: c.191_197dup, p.Tyr66Ter (NM_001099400.2, NM_001099401.2, NM_001346717.2); c.299_305dup, p.Tyr102Ter (NM_001346713.2, NM_001346715.2); c.104_110dup, p.Tyr37Ter (NM_001346719.2, NM_001362807.2); c.-83_-77dup (NM_001346720.2, NM_001362808.2); c.110-1401_110-1395dup (NM_001362809.2, NM_001301139.2); short protein forms Y66*, Y102*, Y37*.
Identifiers: ClinVar variation 1456373 (VCV001456373.6), dbSNP rs2116972508, ClinGen allele CA2573142446.
Genomic context (GRCh38, chr7:94,629,753, plus strand): 5'-CTTTTTTTTCCTCACAAAGAACATACCAGGTTTTGGGTAAGGTGGAAATTCCCCCTTAAA[A>ATATTCTC]TATTCTCTTTCCAAAACATGAACAAAGAGGACACCTGCTGATGGGTATACATTCCGATCG-3'